The following is an entry in ClinVar:

NM_176824.3(BBS7):c.865G>A (p.Val289Ile)

Gene: BBS7 (Bardet-Biedl syndrome 7; minus strand). Cytogenetic location: 4q27.
Variant type: single nucleotide variant.
Coding change: c.865G>A on transcript NM_176824.3 (MANE Select); coding-DNA position 865, G replaced by A.
Protein change: p.Val289Ile; replaces valine 289 with isoleucine.
Molecular consequence: missense variant.
Genome position (GRCh38, 1-based): chr4:121,848,913, C>T on the plus strand (G>A on the coding strand, the complement: BBS7 is on the minus strand). VCF-style: chr4-121848913-C-T. GRCh37 (hg19) VCF-style: chr4-122770068-C-T.
Other names: c.865G>A, p.Val289Ile (NM_018190.4); c.865G>A (NM_176824.2); short protein forms V289I.
Identifiers: ClinVar variation 199192 (VCV000199192.18), dbSNP rs200770952, ClinGen allele CA248271.
Genomic context (GRCh38, chr4:121,848,913, plus strand): 5'-TGGACACCACGATTTCATCATAGCTGTCTTTTCCTACACAACCACCCTGGATAGATGTGA[C>T]GCTTTCAGACAACATCTAAAAAAGTTTAAGACCAAGCACTTCATTAGTAACTAAAAAATC-3'
Protein context (NP_789794.1, residues 279-299): LRFDQMLSES[Val289Ile]TSIQGGCVGK

ClinVar aggregate classification (germline): Conflicting classifications of pathogenicity. Review status: criteria provided, conflicting classifications (1 of 4 stars). 5 submissions from 5 submitters: Uncertain significance (2); Likely benign (2). 1 of the submissions does not count toward it. Last evaluated 2025-11-16.

Conditions:
BBS7-related disorder. Also called: BBS7-related condition.
Inborn genetic diseases. Identifiers: MedGen C0950123, MeSH D030342.
Bardet-Biedl syndrome (BBS). Identifiers: Orphanet 110, MedGen C0752166, MONDO:0015229.

Allele frequency attached by ClinVar (database versions not stated): TOPMed 0.00003; gnomAD 0.00004 and 0.00006; gnomAD exomes 0.00011; ExAC 0.00015; 1000 Genomes Project 0.00020; 1000 Genomes Project 30x 0.00031.
gnomAD v4.1: 149 of 1,613,752 alleles (0.0092%); highest among the groups gnomAD compares: South Asian, 0.029%; 1 homozygote.

Submissions (5):

Labcorp Genetics (formerly Invitae), Labcorp
Classification: Likely benign for Bardet-Biedl syndrome. Last evaluated: 2025-11-16. Review status: criteria provided, single submitter. Criteria: Invitae Variant Classification Sherloc (09022015). Collection method: clinical testing. Allele origin: germline.

Ambry Genetics
Classification: Uncertain significance for Inborn genetic diseases. Last evaluated: 2025-05-23. Review status: criteria provided, single submitter. Criteria: Ambry Variant Classification Scheme 2023. Collection method: clinical testing. Allele origin: germline.

Blueprint Genetics
Classification: Likely benign. Last evaluated: 2024-09-30. Review status: criteria provided, single submitter. Criteria: ACMG Guidelines, 2015. Collection method: clinical testing. Allele origin: germline.

Eurofins Ntd Llc (ga)
Classification: Uncertain significance. Last evaluated: 2014-08-04. Review status: criteria provided, single submitter. Criteria: EGL Classification Definitions 2015. Collection method: clinical testing. Allele origin: germline. Observed: 1 variant allele, 1 heterozygote.

PreventionGenetics, part of Exact Sciences
Classification: Uncertain significance for BBS7-related condition. Last evaluated: 2024-09-03. Review status: no assertion criteria provided. Collection method: clinical testing. Allele origin: germline. Not counted in ClinVar's aggregate classification.
Comment: The BBS7 c.865G>A variant is predicted to result in the amino acid substitution p.Val289Ile. To our knowledge, this variant has not been reported in the literature. This variant is reported in 0.042% of alleles in individuals of South Asian descent in gnomAD, including one homozygous individual. Although we suspect that this variant may be benign, at this time, the clinical significance of this variant is uncertain due to the absence of conclusive functional and genetic evidence.